The following is an entry in ClinVar:

NM_001378964.1(CDON):c.848C>T (p.Ala283Val)

Gene: CDON (cell adhesion associated, oncogene regulated; minus strand). Cytogenetic location: 11q24.2.
Variant type: single nucleotide variant.
Coding change: c.848C>T on transcript NM_001378964.1 (MANE Select); coding-DNA position 848, C replaced by T.
Protein change: p.Ala283Val; replaces alanine 283 with valine.
Molecular consequence: missense variant.
Genome position (GRCh38, 1-based): chr11:126,017,168, G>A on the plus strand (C>T on the coding strand, the complement: CDON is on the minus strand). VCF-style: chr11-126017168-G-A. GRCh37 (hg19) VCF-style: chr11-125887063-G-A.
Other names: c.848C>T, p.Ala283Val (NM_001243597.3, NM_001441161.1, NM_001441162.1 and 5 more transcripts); short protein forms A283V.
Identifiers: ClinVar variation 4224816 (VCV004224816.2).

ClinVar aggregate classification (germline): Uncertain significance. Review status: criteria provided, multiple submitters, no conflicts (2 of 4 stars). 2 submissions from 2 submitters: Uncertain significance (2). Last evaluated 2025-08-25.

Conditions:
Holoprosencephaly 11 (HPE11). Identifiers: Orphanet 2162, MedGen C3280215, MONDO:0013642, OMIM 614226.
Inborn genetic diseases. Identifiers: MedGen C0950123, MeSH D030342.

Submissions (2):

Ambry Genetics
Classification: Uncertain significance for Inborn genetic diseases. Last evaluated: 2025-08-25. Review status: criteria provided, single submitter. Criteria: Ambry Variant Classification Scheme 2023. Collection method: clinical testing. Allele origin: germline.

Labcorp Genetics (formerly Invitae), Labcorp
Classification: Uncertain significance for Holoprosencephaly 11. Last evaluated: 2025-07-29. Review status: criteria provided, single submitter. Criteria: Invitae Variant Classification Sherloc (09022015). Collection method: clinical testing. Allele origin: germline.
Comment: This sequence change replaces alanine, which is neutral and non-polar, with valine, which is neutral and non-polar, at codon 283 of the CDON protein (p.Ala283Val). This variant is present in population databases (rs772289417, gnomAD 0.003%). This variant has not been reported in the literature in individuals affected with CDON-related conditions. Invitae Evidence Modeling of protein sequence and biophysical properties (such as structural, functional, and spatial information, amino acid conservation, physicochemical variation, residue mobility, and thermodynamic stability) indicates that this missense variant is not expected to disrupt CDON protein function with a negative predictive value of 80%. In summary, the available evidence is currently insufficient to determine the role of this variant in disease. Therefore, it has been classified as a Variant of Uncertain Significance.